The following is an entry in ClinVar:

NM_018896.5(CACNA1G):c.2018C>T (p.Ala673Val)

Gene: CACNA1G (calcium voltage-gated channel subunit alpha1 G; plus strand). Cytogenetic location: 17q21.33.
Variant type: single nucleotide variant.
Coding change: c.2018C>T on transcript NM_018896.5 (MANE Select); coding-DNA position 2018, C replaced by T.
Protein change: p.Ala673Val; replaces alanine 673 with valine.
Molecular consequence: missense variant. On other transcripts: non-coding transcript variant (5).
Genome position (GRCh38, 1-based): chr17:50,578,281, C>T. VCF-style: chr17-50578281-C-T. GRCh37 (hg19) VCF-style: chr17-48655642-C-T.
Other names: c.2018C>T, p.Ala673Val (NM_001256324.2, NM_001256325.2, NM_001256326.2 and 24 more transcripts); short protein forms A673V.
Identifiers: ClinVar variation 1800726 (VCV001800726.1), dbSNP rs746313538, ClinGen allele CA8652301.

ClinVar aggregate classification (germline): Uncertain significance (1 of 4 stars; one submission).

Allele frequency attached by ClinVar (database versions not stated): ExAC 0.00001.
gnomAD v4.1: 4 of 1,613,020 alleles (0.00025%); highest among the groups gnomAD compares: Non-Finnish European, 0.00025%; no homozygotes.

Submission:

GeneDx
Classification: Uncertain significance. Last evaluated: 2022-05-19. Review status: criteria provided, single submitter. Criteria: GeneDx Variant Classification Process June 2021. Collection method: clinical testing. Allele origin: germline. Affected: yes.
Comment: Not observed at significant frequency in large population cohorts (gnomAD); In silico analysis supports that this missense variant does not alter protein structure/function; Has not been previously published as pathogenic or benign to our knowledge